The following is an entry in ClinVar:

NM_005228.5(EGFR):c.685A>C (p.Ser229Arg)

Gene: EGFR (epidermal growth factor receptor; plus strand). Cytogenetic location: 7p11.2.
Variant type: single nucleotide variant.
Coding change: c.685A>C on transcript NM_005228.5 (MANE Select); coding-DNA position 685, A replaced by C.
Protein change: p.Ser229Arg; replaces serine 229 with arginine.
Molecular consequence: missense variant. On other transcripts: intron variant (1).
Genome position (GRCh38, 1-based): chr7:55,152,602, A>C. VCF-style: chr7-55152602-A-C. GRCh37 (hg19) VCF-style: chr7-55220295-A-C.
Other names: c.550A>C, p.Ser184Arg (NM_001346897.2, NM_001346899.2); c.685A>C, p.Ser229Arg (NM_001346898.2, NM_201282.2, NM_201283.2 and 1 more transcripts); c.526A>C, p.Ser176Arg (NM_001346900.2); c.89-3228A>C (NM_001346941.2); short protein forms S176R, S184R, S229R.
Identifiers: ClinVar variation 4730213 (VCV004730213.1).
Genomic context (GRCh38, chr7:55,152,602, plus strand): 5'-TCAGTGACCAAAATCATCTGTGCCCAGCAGTGCTCCGGGCGCTGCCGTGGCAAGTCCCCC[A>C]GTGACTGCTGCCACAACCAGTGTGCTGCAGGCTGCACAGGCCCCCGGGAGAGCGACTGCC-3'
Protein context (NP_005219.2, residues 219-239): CSGRCRGKSP[Ser229Arg]DCCHNQCAAG

ClinVar aggregate classification (germline): Uncertain significance (1 of 4 stars; one submission).

Conditions:
EGFR-related lung cancer (EGFR). Identifiers: MedGen CN130014.

Submission:

Labcorp Genetics (formerly Invitae), Labcorp
Classification: Uncertain significance for EGFR-related lung cancer. Last evaluated: 2025-03-23. Review status: criteria provided, single submitter. Criteria: Invitae Variant Classification Sherloc (09022015). Collection method: clinical testing. Allele origin: germline.
Comment: This sequence change replaces serine, which is neutral and polar, with arginine, which is basic and polar, at codon 229 of the EGFR protein (p.Ser229Arg). This variant is not present in population databases (gnomAD no frequency). This variant has not been reported in the literature in individuals affected with EGFR-related conditions. Invitae Evidence Modeling of protein sequence and biophysical properties (such as structural, functional, and spatial information, amino acid conservation, physicochemical variation, residue mobility, and thermodynamic stability) indicates that this missense variant is not expected to disrupt EGFR protein function with a negative predictive value of 80%. In summary, the available evidence is currently insufficient to determine the role of this variant in disease. Therefore, it has been classified as a Variant of Uncertain Significance.